The following is an entry in ClinVar:

NM_000051.4(ATM):c.3202T>A (p.Phe1068Ile)

Gene: ATM (ATM serine/threonine kinase; plus strand). Cytogenetic location: 11q22.3.
Variant type: single nucleotide variant.
Coding change: c.3202T>A on transcript NM_000051.4 (MANE Select); coding-DNA position 3202, T replaced by A.
Protein change: p.Phe1068Ile; replaces phenylalanine 1068 with isoleucine.
Molecular consequence: missense variant.
Genome position (GRCh38, 1-based): chr11:108,272,770, T>A. VCF-style: chr11-108272770-T-A. GRCh37 (hg19) VCF-style: chr11-108143497-T-A.
Other names: c.3202T>A, p.Phe1068Ile (NM_001351834.2); short protein forms F1068I.
Identifiers: ClinVar variation 971173 (VCV000971173.9), dbSNP rs1255200743, ClinGen allele CA382515759.

ClinVar aggregate classification (germline): Uncertain significance (1 of 4 stars; one submission).

Conditions:
Ataxia-telangiectasia syndrome (AT). Also called: ATAXIA-TELANGIECTASIA, FRESNO VARIANT; Ataxia-telangiectasia, complementation group E; Ataxia telangiectasia (A-T); LOUIS-BAR SYNDROME; Ataxia-telangiectasia, complementation group D; AT, COMPLEMENTATION GROUP C. Identifiers: Orphanet 100, MedGen C0004135, MONDO:0008840, OMIM 208900.

Submission:

Labcorp Genetics (formerly Invitae), Labcorp
Classification: Uncertain significance for Ataxia-telangiectasia syndrome. Last evaluated: 2019-10-19. Review status: criteria provided, single submitter. Criteria: Invitae Variant Classification Sherloc (09022015). Collection method: clinical testing. Allele origin: germline.
Comment: In summary, the available evidence is currently insufficient to determine the role of this variant in disease. Therefore, it has been classified as a Variant of Uncertain Significance. Algorithms developed to predict the effect of missense changes on protein structure and function (SIFT, PolyPhen-2, Align-GVGD) all suggest that this variant is likely to be tolerated, but these predictions have not been confirmed by published functional studies and their clinical significance is uncertain. This variant has not been reported in the literature in individuals with ATM-related conditions. This variant is not present in population databases (ExAC no frequency). This sequence change replaces phenylalanine with isoleucine at codon 1068 of the ATM protein (p.Phe1068Ile). The phenylalanine residue is weakly conserved and there is a small physicochemical difference between phenylalanine and isoleucine.